The following is an entry in ClinVar:

ClinVar aggregate classification (germline): Conflicting classifications of pathogenicity. Review status: criteria provided, conflicting classifications (1 of 4 stars). 5 submissions from 5 submitters: Likely pathogenic (1); Uncertain significance (3). 1 of the submissions does not count toward it. Last evaluated 2025-05-12.

Conditions:
Muscular dystrophy-dystroglycanopathy (congenital with brain and eye anomalies), type A, 7. Also called: WALKER-WARBURG SYNDROME OR MUSCLE-EYE-BRAIN DISEASE, ISPD-RELATED; Congenital muscular dystrophy-dystroglycanopathy with brain and eye anomalies, type A7. Identifiers: Orphanet 899, MedGen C3553330, MONDO:0013835, OMIM 614643.
Autosomal recessive limb-girdle muscular dystrophy type 2U. Also called: Muscular dystrophy-dystroglycanopathy (limb-girdle), type c, 7; MUSCULAR DYSTROPHY, LIMB-GIRDLE, TYPE 2U. Identifiers: Orphanet 352479, MedGen C5190987, MONDO:0014474, OMIM 616052.
ISPD-related disorder.

Allele frequency attached by ClinVar (database versions not stated): gnomAD exomes below 0.00001; 1000 Genomes Project 30x 0.00016.
gnomAD v4.1: 19 of 1,613,910 alleles (0.0012%); highest among the groups gnomAD compares: African/African-American, 0.0027%; no homozygotes.

Submissions (5):

GeneDx
Classification: Likely pathogenic. Last evaluated: 2025-05-12. Review status: criteria provided, single submitter. Criteria: GeneDx Variant Classification Process June 2021. Collection method: clinical testing. Allele origin: germline. Affected: yes.
Comment: Not observed at significant frequency in large population cohorts (gnomAD); In silico analysis supports that this missense variant has a deleterious effect on protein structure/function; Has not been previously published as pathogenic or benign to our knowledge

Revvity Omics, Revvity
Classification: Uncertain significance. Last evaluated: 2024-06-18. Review status: criteria provided, single submitter. Criteria: ACMG Guidelines, 2015. Collection method: clinical testing. Allele origin: germline.

Labcorp Genetics (formerly Invitae), Labcorp
Classification: Uncertain significance for Muscular dystrophy-dystroglycanopathy (congenital with brain and eye anomalies), type A, 7; Autosomal recessive limb-girdle muscular dystrophy type 2U. Last evaluated: 2021-12-02. Review status: criteria provided, single submitter. Criteria: Invitae Variant Classification Sherloc (09022015). Collection method: clinical testing. Allele origin: germline.
Comment: This sequence change replaces arginine, which is basic and polar, with cysteine, which is neutral and slightly polar, at codon 126 of the ISPD protein (p.Arg126Cys). This variant is present in population databases (no rsID available, gnomAD 0.006%). This variant has not been reported in the literature in individuals affected with ISPD-related conditions. ClinVar contains an entry for this variant (Variation ID: 800790). Algorithms developed to predict the effect of missense changes on protein structure and function (SIFT, PolyPhen-2, Align-GVGD) all suggest that this variant is likely to be disruptive. In summary, the available evidence is currently insufficient to determine the role of this variant in disease. Therefore, it has been classified as a Variant of Uncertain Significance.

Broad Center for Mendelian Genomics, Broad Institute of MIT and Harvard
Classification: Uncertain significance for Autosomal recessive limb-girdle muscular dystrophy type 2U. Last evaluated: 2018-12-03. Review status: criteria provided, single submitter. Criteria: ACMG Guidelines, 2015. Collection method: research. Allele origin: germline. Inheritance: Autosomal recessive inheritance. Affected: yes.
Comment: This variant has been identified in 0.005798% (1/17248) of East Asian chromosomes by the Genome Aggregation Database (gnomAD). Although this variant has been seen in the general population, its frequency is low enough to be consistent with a recessive carrier frequency. Another missense variant at the same position, p.Arg126His, was reported in the compound heterozygous state for two unrelated individuals, one with Walker-Warburg syndrome and one with LGMD symptoms (PMID: 23288328, 22522421). This slightly supports the possibility that a change at this position may not be tolerated. Computational prediction tools and conservation analyses suggest that this variant may impact the protein, though this information is not predictive enough to determine pathogenicity. In summary, although there is some suspicion for a pathogenic role, the clinical significance of the p.Arg126Cys variant is uncertain. ACMG/AMP Criteria applied: PM2, PM5_Supporting, PP3 (Richards 2015).

Biochemical Molecular Genetic Laboratory, King Abdulaziz Medical City
Classification: Likely pathogenic for ISPD-related disorder. Last evaluated: 2019-01-29. Review status: no assertion criteria provided. Collection method: clinical testing. Allele origin: germline. Affected: yes. Not counted in ClinVar's aggregate classification.

Literature cited by the submitters: PubMed 23288328 (cited by Broad Center for Mendelian Genomics, Broad Institute of MIT and Harvard); PubMed 22522421 (cited by Broad Center for Mendelian Genomics, Broad Institute of MIT and Harvard).

NM_001101426.4(CRPPA):c.376C>T (p.Arg126Cys)

Gene: CRPPA (CDP-L-ribitol pyrophosphorylase A; minus strand). Cytogenetic location: 7p21.2.
Variant type: single nucleotide variant.
Coding change: c.376C>T on transcript NM_001101426.4 (MANE Select); coding-DNA position 376, C replaced by T.
Protein change: p.Arg126Cys; replaces arginine 126 with cysteine.
Molecular consequence: missense variant. On other transcripts: non-coding transcript variant (1).
Genome position (GRCh38, 1-based): chr7:16,406,219, G>A on the plus strand (C>T on the coding strand, the complement: CRPPA is on the minus strand). VCF-style: chr7-16406219-G-A. GRCh37 (hg19) VCF-style: chr7-16445844-G-A.
Other names: c.376C>T, p.Arg126Cys (NM_001101417.4, NM_001368197.1); short protein forms R126C.
Identifiers: ClinVar variation 800790 (VCV000800790.7), dbSNP rs1472549168, ClinGen allele CA367002564.
Genomic context (GRCh38, chr7:16,406,219, plus strand): 5'-GTTTAGAGTTGATCTGATCTTCTGCCAGTGCTTTTAGTCCATTGAAAATTGACCTGTGGC[G>A]GGTCACTCCAGCTTCGACCAGTGAGATGCGTTTATGCTGATACTTCTGAATAATACTTTT-3'
Protein context (NP_001094896.1, residues 116-136): RISLVEAGVT[Arg126Cys]HRSIFNGLKA